The following is an entry in ClinVar:

NM_080680.3(COL11A2):c.232+3A>G

Gene: COL11A2 (collagen type XI alpha 2 chain; minus strand). Cytogenetic location: 6p21.32.
Variant type: single nucleotide variant.
Coding change: c.232+3A>G on transcript NM_080680.3 (MANE Select); 3 bases into the intron after coding-DNA position 232, A replaced by G.
Molecular consequence: intron variant.
Genome position (GRCh38, 1-based): chr6:33,189,317, T>C on the plus strand (A>G on the coding strand, the complement: COL11A2 is on the minus strand). VCF-style: chr6-33189317-T-C. GRCh37 (hg19) VCF-style: chr6-33157094-T-C.
Other names: c.232+3A>G (NM_080679.3, NM_080681.3, NM_001163771.2).
Identifiers: ClinVar variation 1397016 (VCV001397016.7), dbSNP rs777699755, ClinGen allele CA3751733.

ClinVar aggregate classification (germline): Uncertain significance. Review status: criteria provided, multiple submitters, no conflicts (2 of 4 stars). 2 submissions from 2 submitters: Uncertain significance (2). Last evaluated 2023-04-27.

Allele frequency attached by ClinVar (database versions not stated): gnomAD exomes below 0.00001; TOPMed below 0.00001; ExAC 0.00001; gnomAD 0.00001.
gnomAD v4.1: 3 of 1,613,708 alleles (0.00019%); highest among the groups gnomAD compares: Non-Finnish European, 0.00025%; no homozygotes.

Submissions (2):

GeneDx
Classification: Uncertain significance. Last evaluated: 2023-04-27. Review status: criteria provided, single submitter. Criteria: GeneDx Variant Classification Process June 2021. Collection method: clinical testing. Allele origin: germline. Affected: yes.
Comment: Not observed at significant frequency in large population cohorts (gnomAD); In silico analysis supports a deleterious effect on splicing; Has not been previously published as pathogenic or benign to our knowledge

Labcorp Genetics (formerly Invitae), Labcorp
Classification: Uncertain significance. Last evaluated: 2021-05-21. Review status: criteria provided, single submitter. Criteria: Invitae Variant Classification Sherloc (09022015). Collection method: clinical testing. Allele origin: germline.
Comment: In summary, the available evidence is currently insufficient to determine the role of this variant in disease. Therefore, it has been classified as a Variant of Uncertain Significance. Nucleotide substitutions within the consensus splice site are a relatively common cause of aberrant splicing (PMID: 17576681, 9536098). Algorithms developed to predict the effect of sequence changes on RNA splicing suggest that this variant may disrupt the consensus splice site, but this prediction has not been confirmed by published transcriptional studies. This variant has not been reported in the literature in individuals with COL11A2-related conditions. This variant is present in population databases (rs777699755, ExAC 0.002%). This sequence change falls in intron 2 of the COL11A2 gene. It does not directly change the encoded amino acid sequence of the COL11A2 protein. It affects a nucleotide within the consensus splice site of the intron.

Literature cited by the submitters: PubMed 17576681 (cited by Labcorp Genetics (formerly Invitae), Labcorp); PubMed 9536098 (cited by Labcorp Genetics (formerly Invitae), Labcorp).